The following is an entry in ClinVar:

ClinVar aggregate classification (germline): Likely pathogenic (1 of 4 stars; one submission).

Conditions:
EXOC3L2-related brain malformations and/or renal disease.

Submission:

New York Genome Center
Classification: Likely pathogenic for EXOC3L2-related brain malformations and/or renal disease. Last evaluated: 2023-07-24. Review status: criteria provided, single submitter. Criteria: NYGC Assertion Criteria 2020. Collection method: clinical testing. Allele origin: inherited. Affected: yes. Observed: 1 homozygote. Study: PrenatalSEQ.
Comment: The homozygous c.1972dup, p.(Gln658ProfsTer25) variant identified in the EXOC3L2 gene is the duplication of a single nucleotide leading to the frameshift of the protein at amino acid 658/803 (exon 10/12). This variant is also called c.793dup, p.(Gln265ProfsTer25) based on historical transcript NM_138568.4, which is most often cited in literature. This variant is predicted to lead to the introduction of a nonsense variant 25 amino acids downstream and lead to loss of function via nonsense mediated decay or premature termination of the protein. This variant is absent from population databases (gnomADv2.1.1, gnomADv3.1.2, BRAVO-TOPMed, All of Us) suggesting it is not a common benign variant in the populations represented in those databases. This variant is absent from ClinVar and to our current knowledge has not been reported in affected individuals in the literature, though other loss of function variants have been reported in affected probands [PMID:30327448, 27894351, 28749478]. Given the available evidence, the homozygous c.1972dup, p.(Gln658ProfsTer25) variant identified in the EXOC3L2 gene is reported as Likely Pathogenic.

NM_001382422.1(EXOC3L2):c.1972dup (p.Gln658fs)

Gene: EXOC3L2 (exocyst complex component 3 like 2; minus strand). Cytogenetic location: 19q13.32.
Variant type: Duplication.
Coding change: c.1972dup on transcript NM_001382422.1 (MANE Select); coding-DNA position 1972, one base duplicated (C; older notation c.1972dupC).
Protein change: p.Gln658fs; shifts the reading frame from glutamine 658.
Molecular consequence: frameshift variant.
Genome position (GRCh38, 1-based): chr19:45,217,554, G duplicated on the plus strand (C on the coding strand, the reverse complement: EXOC3L2 is on the minus strand). VCF-style (leftmost placement, unchanged base first): chr19-45217553-T-TG. GRCh37 (hg19) VCF-style: chr19-45720811-T-TG.
Other names: short protein forms Q658fs.
Identifiers: ClinVar variation 3235909 (VCV003235909.1), dbSNP rs2513866462, ClinGen allele CA2825002810.